The following is an entry in ClinVar:

NM_003701.4(TNFSF11):c.208T>C (p.Phe70Leu)

Gene: TNFSF11 (TNF superfamily member 11; plus strand). Cytogenetic location: 13q14.11.
Variant type: single nucleotide variant.
Coding change: c.208T>C on transcript NM_003701.4 (MANE Select); coding-DNA position 208, T replaced by C.
Protein change: p.Phe70Leu; replaces phenylalanine 70 with leucine.
Molecular consequence: missense variant. On other transcripts: intron variant (1).
Genome position (GRCh38, 1-based): chr13:42,574,511, T>C. VCF-style: chr13-42574511-T-C. GRCh37 (hg19) VCF-style: chr13-43148647-T-C.
Other names: c.-1+2773T>C (NM_033012.4); short protein forms F70L.
Identifiers: ClinVar variation 2139027 (VCV002139027.1), dbSNP rs544390018, ClinGen allele CA6967144.
Genomic context (GRCh38, chr13:42,574,511, plus strand): 5'-GTGGCCCTCCTGGGGCTGGGGCTGGGCCAGGTTGTCTGCAGCGTCGCCCTGTTCTTCTAT[T>C]TCAGAGCGCAGGTGAGTGGCCACCTTCCCAGGGGATCGCGGCTGAGAGCGCCCATCTCCT-3'
Protein context (NP_003692.1, residues 60-80): VVCSVALFFY[Phe70Leu]RAQMDPNRIS

ClinVar aggregate classification (germline): Uncertain significance (1 of 4 stars; one submission).

Allele frequency attached by ClinVar (database versions not stated): gnomAD 0.00002; TOPMed 0.00002; 1000 Genomes Project 30x 0.00016; 1000 Genomes Project 0.00020.
gnomAD v4.1: 9 of 1,608,264 alleles (0.00056%); highest among the groups gnomAD compares: East Asian, 0.018%; no homozygotes.

Submission:

Labcorp Genetics (formerly Invitae), Labcorp
Classification: Uncertain significance. Last evaluated: 2022-05-04. Review status: criteria provided, single submitter. Criteria: Invitae Variant Classification Sherloc (09022015). Collection method: clinical testing. Allele origin: germline.
Comment: This sequence change replaces phenylalanine, which is neutral and non-polar, with leucine, which is neutral and non-polar, at codon 70 of the TNFSF11 protein (p.Phe70Leu). This variant is present in population databases (rs544390018, gnomAD 0.03%). This variant has not been reported in the literature in individuals affected with TNFSF11-related conditions. Algorithms developed to predict the effect of missense changes on protein structure and function are either unavailable or do not agree on the potential impact of this missense change (SIFT: "Deleterious"; PolyPhen-2: "Benign"; Align-GVGD: "Class C0"). In summary, the available evidence is currently insufficient to determine the role of this variant in disease. Therefore, it has been classified as a Variant of Uncertain Significance.